The following is an entry in ClinVar:

ClinVar aggregate classification (germline): Likely pathogenic (1 of 4 stars; one submission).

Conditions:
Peutz-Jeghers syndrome (PJS). Also called: Peutz-Jeghers polyposis; Periorificial lentiginosis syndrome; POLYPOSIS, HAMARTOMATOUS INTESTINAL; POLYPS-AND-SPOTS SYNDROME. Identifiers: Orphanet 2869, MedGen C0031269, MeSH D010580, MONDO:0008280, OMIM 175200.

Submission:

Department of Clinical Genetics, Copenhagen University Hospital, Rigshospitalet
Classification: Likely pathogenic for Peutz-Jeghers syndrome. Last evaluated: 2025-01-10. Review status: criteria provided, single submitter. Criteria: ACMG Guidelines, 2015. Collection method: clinical testing. Allele origin: germline. Affected: yes.
Comment: The following ACMG criteria was used: PM1; PM2_SUP; PS4_SUP; PP3; PP4

Literature cited by the submitters: PubMed 37017260.

NM_000455.5(STK11):c.440G>C (p.Arg147Pro)

Gene: STK11 (serine/threonine kinase 11; plus strand). Cytogenetic location: 19p13.3.
Variant type: single nucleotide variant.
Coding change: c.440G>C on transcript NM_000455.5 (MANE Select); coding-DNA position 440, G replaced by C.
Protein change: p.Arg147Pro; replaces arginine 147 with proline.
Molecular consequence: missense variant. On other transcripts: non-coding transcript variant (1).
Genome position (GRCh38, 1-based): chr19:1,219,389, G>C. VCF-style: chr19-1219389-G-C. GRCh37 (hg19) VCF-style: chr19-1219388-G-C.
Other names: c.440G>C, p.Arg147Pro (NM_001407255.1); short protein forms R147P.
Identifiers: ClinVar variation 3600330 (VCV003600330.1).